The following is an entry in ClinVar:

NM_005228.5(EGFR):c.3080C>G (p.Pro1027Arg)

Gene: EGFR (epidermal growth factor receptor; plus strand). Cytogenetic location: 7p11.2.
Variant type: single nucleotide variant.
Coding change: c.3080C>G on transcript NM_005228.5 (MANE Select); coding-DNA position 3080, C replaced by G.
Protein change: p.Pro1027Arg; replaces proline 1027 with arginine.
Molecular consequence: missense variant.
Genome position (GRCh38, 1-based): chr7:55,201,321, C>G. VCF-style: chr7-55201321-C-G. GRCh37 (hg19) VCF-style: chr7-55269014-C-G.
Other names: c.2945C>G, p.Pro982Arg (NM_001346897.2, NM_001346899.2); c.3080C>G, p.Pro1027Arg (NM_001346898.2); c.2921C>G, p.Pro974Arg (NM_001346900.2); c.2279C>G, p.Pro760Arg (NM_001346941.2); short protein forms P982R, P760R, P974R, P1027R.
Identifiers: ClinVar variation 948840 (VCV000948840.9), dbSNP rs1787839040, ClinGen allele CA367582692.

ClinVar aggregate classification (germline): Uncertain significance (1 of 4 stars; one submission).

Conditions:
EGFR-related lung cancer (EGFR). Identifiers: MedGen CN130014.

Submission:

Labcorp Genetics (formerly Invitae), Labcorp
Classification: Uncertain significance for EGFR-related lung cancer. Last evaluated: 2019-07-20. Review status: criteria provided, single submitter. Criteria: Invitae Variant Classification Sherloc (09022015). Collection method: clinical testing. Allele origin: germline.
Comment: In summary, the available evidence is currently insufficient to determine the role of this variant in disease. Therefore, it has been classified as a Variant of Uncertain Significance. Algorithms developed to predict the effect of missense changes on protein structure and function are either unavailable or do not agree on the potential impact of this missense change (SIFT: "Tolerated"; PolyPhen-2: "Probably Damaging"; Align-GVGD: "Class C0"). This variant has not been reported in the literature in individuals with EGFR-related conditions. This variant is not present in population databases (ExAC no frequency). This sequence change replaces proline with arginine at codon 1027 of the EGFR protein (p.Pro1027Arg). The proline residue is moderately conserved and there is a moderate physicochemical difference between proline and arginine.